The following is an entry in ClinVar:

ClinVar aggregate classification (germline): Likely pathogenic. Review status: reviewed by expert panel (3 of 4 stars). 5 submissions from 5 submitters: Likely pathogenic (1). 4 of the submissions do not count toward it. Last evaluated 2021-03-26.

Conditions:
Angelman syndrome (AS). Also called: HAPPY PUPPET SYNDROME. Identifiers: Orphanet 72, MedGen C0162635, MONDO:0007113, OMIM 105830. Disease mechanism: loss of function. Inheritance: AS is caused by disruption of maternally imprinted UBE3A located within the 15q11.2-q13 Angelman syndrome/Prader-Willi syndrome (AS/PWS) region., imprinting disorder.

Submissions (5):

ClinGen Rett and Angelman-like Disorders Variant Curation Expert Panel
Classification: Likely pathogenic for Angelman syndrome. Last evaluated: 2021-03-26. Review status: reviewed by expert panel. Criteria: ClinGen RettAS ACMG Specifications V1. Collection method: curation. Allele origin: germline. Inheritance: Autosomal dominant inheritance.
Comment: The p.Ser582del variant in UBE3A is absent from gnomAD (PM2_Supporting). The p.Ser582del variant in UBE3A has been reported in at least 2 de novo occurrences (biological parentage unconfirmed) in individuals with Angelman syndrome (PMID 25212744, internal database) (PM6_Strong). The p.Ser582del variant has been observed in at least 1 other individual with Angelman syndrome (PMID 25212744) (PS4_Supporting). The p.Ser582del variant in UBE3A has been reported in an individual with a clinical phenotype suggestive of Angelman syndrome (PMID 25212744) (PP4). In summary, the p.Ser582del variant in UBE3A is classified as likely pathogenic for Angelman syndrome based on the ACMG/AMP criteria (PM2_supporting, PM6_strong, PS4_supporting, PP4).

GeneDx
Classification: Pathogenic. Last evaluated: 2025-08-07. Review status: criteria provided, single submitter. Criteria: GeneDx Variant Classification Process June 2021. Collection method: clinical testing. Allele origin: germline. Affected: yes. Not counted in ClinVar's aggregate classification.
Comment: Published functional studies demonstrate a damaging effect by significantly decreasing UBE3A activity (PMID: 34815418); In-frame deletion of 1 amino acid in a non-repeat region; In silico analysis supports a deleterious effect on protein structure/function; Not observed at significant frequency in large population cohorts (gnomAD); This variant is associated with the following publications: (PMID: 33149276, 36011358, 25693842, 25212744, 34815418)

Labcorp Genetics (formerly Invitae), Labcorp
Classification: Pathogenic for Angelman syndrome. Last evaluated: 2019-11-20. Review status: criteria provided, single submitter. Criteria: Invitae Variant Classification Sherloc (09022015). Collection method: clinical testing. Allele origin: germline. Not counted in ClinVar's aggregate classification.
Comment: For these reasons, this variant has been classified as Pathogenic. This variant, c.1745_1747del, results in the deletion of 1 amino acid(s) of the UBE3A protein (p.Ser582del), but otherwise preserves the integrity of the reading frame. This variant is not present in population databases (ExAC no frequency). This variant has been observed to be de novo in individuals with clinical features of Angelman syndrome (PMID: 25212744, 25693842). ClinVar contains an entry for this variant (Variation ID: 155987). Experimental studies and prediction algorithms are not available or were not evaluated for this variant, and the functional significance of the affected amino acid(s) is currently unknown.

Genetic Services Laboratory, University of Chicago
Classification: Pathogenic for Angelman syndrome. Last evaluated: 2019-06-27. Review status: criteria provided, single submitter. Criteria: ACMG Guidelines, 2015. Collection method: clinical testing. Allele origin: germline. Affected: yes. Not counted in ClinVar's aggregate classification.

Baylor Genetics
Classification: Pathogenic for Angelman Syndrome. Last evaluated: 2014-02-14. Review status: no assertion criteria provided. Collection method: clinical testing. Allele origin: de novo. Affected: yes. Observed: 1 variant allele. Study: UBE3A Mutation Study. Not counted in ClinVar's aggregate classification.
Comment: Data collected from clinical UBE3A sequence analysis results

Literature cited by the submitters: PubMed 25212744 (cited by 3 submitters); PubMed 25693842 (cited by Labcorp Genetics (formerly Invitae), Labcorp).

NM_130839.5(UBE3A):c.1802CTT[1] (p.Ser602del)

Genes: SNHG14 (small nucleolar RNA host gene 14; plus strand), UBE3A (ubiquitin protein ligase E3A; minus strand). Cytogenetic location: 15q11.2.
Variant type: Microsatellite.
Coding change: c.1802CTT[1] on transcript NM_130839.5 (MANE Select); one copy of the 3-base unit CTT starting at c.1802; the reference has two copies in a row; one copy, 3 bases deleted.
Protein change: p.Ser602del; deletes serine 602.
Molecular consequence: inframe deletion. On other transcripts: non-coding transcript variant (1).
Genome position (GRCh38, 1-based): chr15:25,356,843-25,356,845, AAG deleted on the plus strand (CTT on the coding strand, the reverse complement: UBE3A is on the minus strand); deleting any 3 consecutive bases within chr15:25,356,843-25,356,849 gives the same sequence; the position shown is the placement nearest the transcript's 3' end. VCF-style (leftmost placement, unchanged base first): chr15-25356842-AAAG-A. GRCh37 (hg19) VCF-style: chr15-25601989-AAAG-A.
Other names: c.1742CTT[1], p.Ser582del (NM_001354523.2, NM_001354526.1, NM_001354539.2 and 17 more transcripts); c.1802CTT[1], p.Ser602del (NM_001354538.2, NM_001354545.2, NM_001354505.1); c.1625CTT[1], p.Ser543del (NM_001354546.2); c.551CTT[1], p.Ser185del (NM_001354550.2); c.491CTT[1], p.Ser165del (NM_001354551.2); c.1811CTT[1], p.Ser605del (NM_000462.5); short protein forms S582del, S185del, S602del, S543del, S605del, S165del.
Identifiers: ClinVar variation 155987 (VCV000155987.17), dbSNP rs587781234, ClinGen allele CA333369.